The following is an entry in ClinVar:

NM_133433.4(NIPBL):c.6402A>G (p.Leu2134=)

Gene: NIPBL (NIPBL cohesin loading factor; plus strand). Cytogenetic location: 5p13.2.
Variant type: single nucleotide variant.
Coding change: c.6402A>G on transcript NM_133433.4 (MANE Select); coding-DNA position 6402, A replaced by G.
Protein change: p.Leu2134=; no amino-acid change (leucine 2134 retained).
Molecular consequence: synonymous variant.
Genome position (GRCh38, 1-based): chr5:37,045,501, A>G. VCF-style: chr5-37045501-A-G. GRCh37 (hg19) VCF-style: chr5-37045603-A-G.
Other names: c.6402A>G, p.Leu2134= (NM_015384.5).
Identifiers: ClinVar variation 353386 (VCV000353386.9), dbSNP rs777430704, ClinGen allele CA3236999.
Genomic context (GRCh38, chr5:37,045,501, plus strand): 5'-AGGTGCCATTTCAAAATTAAAAAGTCAACACCAAGAGGACCCAAATAACACTTCACTTCT[A>G]ACAAACAAACCAGCACTTCTTAGATCCCTTTTCACCGTTGGAGCACTATGTCGGCATTTT-3'
Protein context (NP_597677.2, residues 2124-2144): HQEDPNNTSL[Leu2134=]TNKPALLRSL

ClinVar aggregate classification (germline): Conflicting classifications of pathogenicity. Review status: criteria provided, conflicting classifications (1 of 4 stars). 3 submissions from 3 submitters: Uncertain significance (1); Likely benign (2). Last evaluated 2026-02-02.

Conditions:
NIPBL-related disorder. Also called: NIPBL-related condition.
Cornelia de Lange syndrome 1 (CDLS1). Also called: NIPBL-Related Cornelia de Lange Syndrome; TYPUS DEGENERATIVUS AMSTELODAMENSIS; Brachmann de Lange syndrome. Identifiers: Orphanet 199, MedGen C4551851, MONDO:0007387, OMIM 122470.

Allele frequency attached by ClinVar (database versions not stated): ExAC 0.00003; gnomAD 0.00004 and below 0.00001; gnomAD exomes 0.00004 and 0.00005.
gnomAD v4.1: 63 of 1,613,986 alleles (0.0039%); highest among the groups gnomAD compares: South Asian, 0.058%; 1 homozygote.

Submissions (3):

Labcorp Genetics (formerly Invitae), Labcorp
Classification: Likely benign for Cornelia de Lange syndrome 1. Last evaluated: 2026-02-02. Review status: criteria provided, single submitter. Criteria: Invitae Variant Classification Sherloc (09022015). Collection method: clinical testing. Allele origin: germline.

PreventionGenetics, part of Exact Sciences
Classification: Likely benign for NIPBL-related condition. Last evaluated: 2025-05-08. Review status: criteria provided, single submitter. Criteria: ACMG Guidelines, 2015. Collection method: clinical testing. Allele origin: germline.
Comment: This variant is classified as likely benign based on ACMG/AMP sequence variant interpretation guidelines (Richards et al. 2015 PMID: 25741868, with internal and published modifications).

Illumina Laboratory Services, Illumina
Classification: Uncertain significance for Cornelia de Lange syndrome 1. Last evaluated: 2018-01-13. Review status: criteria provided, single submitter. Criteria: ICSL Variant Classification Criteria 13 December 2019. Collection method: clinical testing. Allele origin: germline.